The following is an entry in ClinVar:

ClinVar aggregate classification (germline): Uncertain significance (1 of 4 stars; one submission).

Submission:

Labcorp Genetics (formerly Invitae), Labcorp
Classification: Uncertain significance. Last evaluated: 2023-08-04. Review status: criteria provided, single submitter. Criteria: Invitae Variant Classification Sherloc (09022015). Collection method: clinical testing. Allele origin: germline.
Comment: This sequence change replaces methionine, which is neutral and non-polar, with isoleucine, which is neutral and non-polar, at codon 85 of the AP2M1 protein (p.Met85Ile). This variant is not present in population databases (gnomAD no frequency). In summary, the available evidence is currently insufficient to determine the role of this variant in disease. Therefore, it has been classified as a Variant of Uncertain Significance. An algorithm developed to predict the effect of missense changes on protein structure and function (PolyPhen-2) suggests that this variant is likely to be tolerated. ClinVar contains an entry for this variant (Variation ID: 1969230). This variant has not been reported in the literature in individuals affected with AP2M1-related conditions.

NM_004068.4(AP2M1):c.255G>C (p.Met85Ile)

Gene: AP2M1 (adaptor related protein complex 2 subunit mu 1; plus strand). Cytogenetic location: 3q27.1.
Variant type: single nucleotide variant.
Coding change: c.255G>C on transcript NM_004068.4 (MANE Select); coding-DNA position 255, G replaced by C.
Protein change: p.Met85Ile; replaces methionine 85 with isoleucine.
Molecular consequence: missense variant.
Genome position (GRCh38, 1-based): chr3:184,179,037, G>C. VCF-style: chr3-184179037-G-C. GRCh37 (hg19) VCF-style: chr3-183896825-G-C.
Other names: c.255G>C, p.Met85Ile (NM_001025205.2); c.330G>C, p.Met110Ile (NM_001311198.2); short protein forms M85I, M110I.
Identifiers: ClinVar variation 1969230 (VCV001969230.5), dbSNP rs1577058498, ClinGen allele CA355420854.
Genomic context (GRCh38, chr3:184,179,037, plus strand): 5'-GGCAGCAGTCACCAAGCAGAATGTCAACGCTGCCATGGTCTTCGAATTCCTCTATAAGAT[G>C]TGTGACGTGATGGCTGCCTACTTTGGCAAGATCAGCGAGGAAAACATCAAGAACAATTTT-3'
Protein context (NP_004059.2, residues 75-95): AAMVFEFLYK[Met85Ile]CDVMAAYFGK